The following is an entry in ClinVar:

NM_139343.3(BIN1):c.968C>T (p.Thr323Met)

Gene: BIN1 (bridging integrator 1; minus strand). Cytogenetic location: 2q14.3.
Variant type: single nucleotide variant.
Coding change: c.968C>T on transcript NM_139343.3 (MANE Select); coding-DNA position 968, C replaced by T.
Protein change: p.Thr323Met; replaces threonine 323 with methionine.
Molecular consequence: missense variant.
Genome position (GRCh38, 1-based): chr2:127,059,045, G>A on the plus strand (C>T on the coding strand, the complement: BIN1 is on the minus strand). VCF-style: chr2-127059045-G-A. GRCh37 (hg19) VCF-style: chr2-127816621-G-A.
Other names: c.920C>T, p.Thr307Met (NM_001320632.2, NM_004305.4, NM_139346.3); c.968C>T, p.Thr323Met (NM_001320633.2, NM_001320640.2, NM_139344.3 and 1 more transcripts); c.803C>T, p.Thr268Met (NM_001320634.1); c.875C>T, p.Thr292Met (NM_001320641.2, NM_139347.3, NM_139348.3 and 3 more transcripts); c.887C>T, p.Thr296Met (NM_001320642.1); short protein forms T292M, T268M, T296M, T323M, T307M.
Identifiers: ClinVar variation 954970 (VCV000954970.10), dbSNP rs763810794, ClinGen allele CA1857221.
Genomic context (GRCh38, chr2:127,059,045, plus strand): 5'-ACCTGCTACCAAGACATCACTCCTACCTGAGATGGGGACTTGGGGAGGGTGGCCCCGGGC[G>A]TGGCCCCGCCGGCCGGCTCTGGCTCGTGGTTGACTCTGATCTCGGGGGTGGCGGCAGGGG-3'
Protein context (NP_647593.1, residues 313-333): NHEPEPAGGA[Thr323Met]PGATLPKSPS

ClinVar aggregate classification (germline): Uncertain significance. Review status: criteria provided, multiple submitters, no conflicts (2 of 4 stars). 2 submissions from 2 submitters: Uncertain significance (2). Last evaluated 2025-11-09.

Conditions:
Inborn genetic diseases. Identifiers: MedGen C0950123, MeSH D030342.
Myopathy, centronuclear, 2 (CNM2). Also called: MYOTUBULAR MYOPATHY, AUTOSOMAL RECESSIVE. Identifiers: Orphanet 169186, MedGen CN031787, MONDO:0009709, OMIM 255200.

Allele frequency attached by ClinVar (database versions not stated): gnomAD 0.00003 and 0.00004; TOPMed 0.00003; ExAC 0.00004; gnomAD exomes 0.00002.

Submissions (2):

Labcorp Genetics (formerly Invitae), Labcorp
Classification: Uncertain significance for Myopathy, centronuclear, 2. Last evaluated: 2025-11-09. Review status: criteria provided, single submitter. Criteria: Invitae Variant Classification Sherloc (09022015). Collection method: clinical testing. Allele origin: germline.
Comment: This sequence change replaces threonine, which is neutral and polar, with methionine, which is neutral and non-polar, at codon 323 of the BIN1 protein (p.Thr323Met). The frequency data for this variant in the population databases is considered unreliable, as metrics indicate poor data quality at this position in the gnomAD database. This variant has not been reported in the literature in individuals affected with BIN1-related conditions. ClinVar contains an entry for this variant (Variation ID: 954970). An algorithm developed to predict the effect of missense changes on protein structure and function outputs the following: PolyPhen-2: "Benign". The methionine amino acid residue is found in multiple mammalian species, which suggests that this missense change does not adversely affect protein function. In summary, the available evidence is currently insufficient to determine the role of this variant in disease. Therefore, it has been classified as a Variant of Uncertain Significance.

Ambry Genetics
Classification: Uncertain significance for Inborn genetic diseases. Last evaluated: 2024-01-03. Review status: criteria provided, single submitter. Criteria: Ambry Variant Classification Scheme 2023. Collection method: clinical testing. Allele origin: germline.